The following is an entry in ClinVar:

ClinVar aggregate classification (germline): Uncertain significance (1 of 4 stars; one submission).

Conditions:
Inborn genetic diseases. Identifiers: MedGen C0950123, MeSH D030342.

Submission:

Ambry Genetics
Classification: Uncertain significance for Inborn genetic diseases. Last evaluated: 2025-09-26. Review status: criteria provided, single submitter. Criteria: Ambry Variant Classification Scheme 2023. Collection method: clinical testing. Allele origin: germline.
Comment: The p.P17S variant (also known as c.49C>T), located in coding exon 1 of the ELANE gene, results from a C to T substitution at nucleotide position 49. The proline at codon 17 is replaced by serine, an amino acid with similar properties. This amino acid position is conserved. In addition, this alteration is predicted to be tolerated by in silico analysis. Based on the available evidence, the clinical significance of this variant remains unclear.

NM_001972.4(ELANE):c.49C>T (p.Pro17Ser)

Gene: ELANE (elastase, neutrophil expressed; plus strand). Cytogenetic location: 19p13.3.
Variant type: single nucleotide variant.
Coding change: c.49C>T on transcript NM_001972.4 (MANE Select); coding-DNA position 49, C replaced by T.
Protein change: p.Pro17Ser; replaces proline 17 with serine.
Molecular consequence: missense variant.
Genome position (GRCh38, 1-based): chr19:852,377, C>T. VCF-style: chr19-852377-C-T. GRCh37 (hg19) VCF-style: chr19-852377-C-T.
Other names: short protein forms P17S.
Identifiers: ClinVar variation 4618393 (VCV004618393.1).